The following is an entry in ClinVar:

NM_000159.4(GCDH):c.514G>T (p.Glu172Ter)

Gene: GCDH (glutaryl-CoA dehydrogenase; plus strand). Cytogenetic location: 19p13.13.
Variant type: single nucleotide variant.
Coding change: c.514G>T on transcript NM_000159.4 (MANE Select); coding-DNA position 514, G replaced by T.
Protein change: p.Glu172Ter; replaces glutamic acid 172 with a stop codon.
Molecular consequence: nonsense. On other transcripts: non-coding transcript variant (2).
Genome position (GRCh38, 1-based): chr19:12,896,000, G>T. VCF-style: chr19-12896000-G-T. GRCh37 (hg19) VCF-style: chr19-13006814-G-T.
Other names: c.514G>T, p.Glu172Ter (NM_013976.5); short protein forms E172*.
Identifiers: ClinVar variation 370719 (VCV000370719.9), dbSNP rs1057516715, ClinGen allele CA16041969.

ClinVar aggregate classification (germline): Pathogenic. Review status: criteria provided, single submitter (1 of 4 stars). 2 submissions from 2 submitters: Pathogenic (1). 1 of the submissions does not count toward it. Last evaluated 2022-10-23.

Conditions:
Glutaric aciduria, type 1. Also called: GA I; Glutaric Acidemia Type 1; Glutaryl-CoA dehydrogenase deficiency; Glutaric acidemia type I; Glutaricaciduria, type I; Glutaricacidemia Type 1. Identifiers: Orphanet 25, MedGen C0268595, MONDO:0009281, OMIM 231670.

Submissions (2):

Labcorp Genetics (formerly Invitae), Labcorp
Classification: Pathogenic for Glutaric aciduria, type 1. Last evaluated: 2022-10-23. Review status: criteria provided, single submitter. Criteria: Invitae Variant Classification Sherloc (09022015). Collection method: clinical testing. Allele origin: germline.
Comment: ClinVar contains an entry for this variant (Variation ID: 370719). For these reasons, this variant has been classified as Pathogenic. This sequence change creates a premature translational stop signal (p.Glu172*) in the GCDH gene. It is expected to result in an absent or disrupted protein product. Loss-of-function variants in GCDH are known to be pathogenic (PMID: 10699052, 11854167, 16602100). This variant is not present in population databases (gnomAD no frequency). This variant has not been reported in the literature in individuals affected with GCDH-related conditions.

Counsyl
Classification: Likely pathogenic for Glutaric aciduria, type 1. Last evaluated: 2016-03-29. Review status: no assertion criteria provided. Collection method: clinical testing. Allele origin: unknown. Not counted in ClinVar's aggregate classification.

Literature cited by the submitters: PubMed 10699052 (cited by Labcorp Genetics (formerly Invitae), Labcorp); PubMed 11854167 (cited by Labcorp Genetics (formerly Invitae), Labcorp); PubMed 16602100 (cited by Labcorp Genetics (formerly Invitae), Labcorp).